The following is an entry in ClinVar:

ClinVar aggregate classification (germline): Benign/Likely benign. Review status: criteria provided, multiple submitters, no conflicts (2 of 4 stars). 6 submissions from 6 submitters: Benign (1); Likely benign (5). Last evaluated 2025-04-27.

Conditions:
Hereditary cancer-predisposing syndrome. Also called: Hereditary Cancer Syndrome; Tumor predisposition; Neoplastic Syndromes, Hereditary; Hereditary neoplastic syndrome. Identifiers: Orphanet 140162, MedGen C0027672, MeSH D009386, MONDO:0015356.
Hereditary diffuse gastric adenocarcinoma (HDGC). Also called: DIFFUSE GASTRIC AND LOBULAR BREAST CANCER SYNDROME. Identifiers: Orphanet 26106, MedGen C1708349, MONDO:0007648, OMIM 137215.

Allele frequency attached by ClinVar (database versions not stated): gnomAD exomes below 0.00001; gnomAD 0.00001; TOPMed 0.00001.
gnomAD v4.1: 2 of 1,614,146 alleles (0.00012%); highest among the groups gnomAD compares: African/African-American, 0.0027%; no homozygotes.

Submissions (6):

Labcorp Genetics (formerly Invitae), Labcorp
Classification: Likely benign for Hereditary diffuse gastric adenocarcinoma. Last evaluated: 2025-04-27. Review status: criteria provided, single submitter. Criteria: Invitae Variant Classification Sherloc (09022015). Collection method: clinical testing. Allele origin: germline.

Women's Health and Genetics/Laboratory Corporation of America, LabCorp
Classification: Likely benign. Last evaluated: 2025-02-15. Review status: criteria provided, single submitter. Criteria: LabCorp Variant Classification Summary - May 2015. Collection method: clinical testing. Allele origin: germline.

Myriad Genetics, Inc.
Classification: Benign for Hereditary diffuse gastric adenocarcinoma. Last evaluated: 2024-09-18. Review status: criteria provided, single submitter. Criteria: Myriad Autosomal Dominant, Autosomal Recessive and X-Linked Classification Criteria (2023). Collection method: clinical testing. Allele origin: unknown.
Comment: This variant is considered benign. This variant is a silent/synonymous amino acid change and it is not expected to impact splicing.

Sema4
Classification: Likely benign for Hereditary cancer-predisposing syndrome. Last evaluated: 2021-12-07. Review status: criteria provided, single submitter. Criteria: Sema4 Curation Guidelines. Collection method: curation. Allele origin: germline.

Ambry Genetics
Classification: Likely benign for Hereditary cancer-predisposing syndrome. Last evaluated: 2020-03-16. Review status: criteria provided, single submitter. Criteria: Ambry Variant Classification Scheme 2023. Collection method: clinical testing. Allele origin: germline.

GeneDx
Classification: Likely benign. Last evaluated: 2017-09-28. Review status: criteria provided, single submitter. Criteria: GeneDx Variant Classification (06012015). Collection method: clinical testing. Allele origin: germline. Affected: yes.
Comment: This variant is considered likely benign or benign based on one or more of the following criteria: it is a conservative change, it occurs at a poorly conserved position in the protein, it is predicted to be benign by multiple in silico algorithms, and/or has population frequency not consistent with disease.

NM_004360.5(CDH1):c.1383T>A (p.Pro461=)

Gene: CDH1 (cadherin 1; plus strand). Cytogenetic location: 16q22.1.
Variant type: single nucleotide variant.
Coding change: c.1383T>A on transcript NM_004360.5 (MANE Select); coding-DNA position 1383, T replaced by A.
Protein change: p.Pro461=; no amino-acid change (proline 461 retained).
Molecular consequence: synonymous variant. On other transcripts: 5 prime UTR variant (2).
Genome position (GRCh38, 1-based): chr16:68,815,577, T>A. VCF-style: chr16-68815577-T-A. GRCh37 (hg19) VCF-style: chr16-68849480-T-A.
Other names: c.1200T>A, p.Pro400= (NM_001317184.2); c.-166T>A (NM_001317185.2); c.-437T>A (NM_001317186.2); c.1383T>A (LRG_301t1).
Identifiers: ClinVar variation 512345 (VCV000512345.15), dbSNP rs1238176229, ClinGen allele CA496153949.